The following is an entry in ClinVar:

NM_000038.6(APC):c.5774C>G (p.Pro1925Arg)

Gene: APC (APC regulator of Wnt signaling pathway; plus strand). Cytogenetic location: 5q22.2.
Variant type: single nucleotide variant.
Coding change: c.5774C>G on transcript NM_000038.6 (MANE Select); coding-DNA position 5774, C replaced by G.
Protein change: p.Pro1925Arg; replaces proline 1925 with arginine.
Molecular consequence: missense variant. On other transcripts: non-coding transcript variant (2).
Genome position (GRCh38, 1-based): chr5:112,841,368, C>G. VCF-style: chr5-112841368-C-G. GRCh37 (hg19) VCF-style: chr5-112177065-C-G.
Other names: c.5774C>G, p.Pro1925Arg (NM_001127510.3, NM_001354895.2, NM_001407450.1); c.5720C>G, p.Pro1907Arg (NM_001127511.3); c.5828C>G, p.Pro1943Arg (NM_001354896.2, NM_001407447.1, NM_001407448.1 and 1 more transcripts); c.5804C>G, p.Pro1935Arg (NM_001354897.2); c.5699C>G, p.Pro1900Arg (NM_001354898.2); c.5690C>G, p.Pro1897Arg (NM_001354899.2); c.5651C>G, p.Pro1884Arg (NM_001354900.2); c.5597C>G, p.Pro1866Arg (NM_001354901.2, NM_001407453.1); and 11 more; short protein forms P1796R, P1834R, P1900R, P1935R, P1541R, P1866R, P1897R, P1907R.
Identifiers: ClinVar variation 2452698 (VCV002452698.2), dbSNP rs762682111, ClinGen allele CA16033966.

ClinVar aggregate classification (germline): Uncertain significance (1 of 4 stars; one submission).

Conditions:
Hereditary cancer-predisposing syndrome. Also called: Neoplastic Syndromes, Hereditary; Tumor predisposition; Hereditary neoplastic syndrome; Hereditary Cancer Syndrome. Identifiers: Orphanet 140162, MedGen C0027672, MeSH D009386, MONDO:0015356.

gnomAD v4.1: 1 of 1,613,508 alleles (0.000062%); highest among the groups gnomAD compares: Non-Finnish European, 0.000085%; no homozygotes.

Submission:

Ambry Genetics
Classification: Uncertain significance for Hereditary cancer-predisposing syndrome. Last evaluated: 2022-12-18. Review status: criteria provided, single submitter. Criteria: Ambry Variant Classification Scheme 2023. Collection method: clinical testing. Allele origin: germline.
Comment: The p.P1925R variant (also known as c.5774C>G), located in coding exon 15 of the APC gene, results from a C to G substitution at nucleotide position 5774. The proline at codon 1925 is replaced by arginine, an amino acid with dissimilar properties. This amino acid position is conserved. In addition, in silico predictors for this gene do not accurately predict pathogenicity. Since supporting evidence is limited at this time, the clinical significance of this alteration remains unclear.